The following is an entry in ClinVar:

ClinVar aggregate classification (germline): Uncertain significance (1 of 4 stars; one submission).

Conditions:
Epidermolysis bullosa simplex with nail dystrophy (EBS5D). Identifiers: MedGen C4225309, MONDO:0014661, OMIM 616487.
Autosomal recessive limb-girdle muscular dystrophy type 2Q (LGMDR17). Also called: MUSCULAR DYSTROPHY, LIMB-GIRDLE, AUTOSOMAL RECESSIVE 17. Identifiers: Orphanet 254361, MedGen C3150989, MONDO:0013390, OMIM 613723.
Epidermolysis bullosa simplex 5B, with muscular dystrophy (EBS5B). Also called: Epidermolysis bullosa simplex with muscular dystrophy; EPIDERMOLYSIS BULLOSA SIMPLEX AND LIMB-GIRDLE MUSCULAR DYSTROPHY. Identifiers: Orphanet 257, MedGen C2931072, MONDO:0009181, OMIM 226670.
Epidermolysis bullosa simplex 5C, with pyloric atresia (EBS5C). Also called: PLEC-Related Epidermolysis Bullosa with Pyloric Atresia; Epidermolysis bullosa simplex with pyloric atresia; PLEC1-Related Epidermolysis Bullosa with Pyloric Atresia. Identifiers: Orphanet 158684, MedGen C2677349, MONDO:0012807, OMIM 612138.
Epidermolysis bullosa simplex, Ogna type (EBS5A). Also called: Pidermolysis bullosa simplex 5A, Ogna type; EPIDERMOLYSIS BULLOSA SIMPLEX 5A, OGNA TYPE. Identifiers: Orphanet 79401, MedGen C0432317, MONDO:0007555, OMIM 131950.

gnomAD v4.1: 2 of 1,611,334 alleles (0.00012%); highest among the groups gnomAD compares: African/African-American, 0.0013%; no homozygotes.

Submission:

Labcorp Genetics (formerly Invitae), Labcorp
Classification: Uncertain significance for Autosomal recessive limb-girdle muscular dystrophy type 2Q; Epidermolysis bullosa simplex, Ogna type; Epidermolysis bullosa simplex with nail dystrophy; Epidermolysis bullosa simplex 5C, with pyloric atresia; Epidermolysis bullosa simplex 5B, with muscular dystrophy. Last evaluated: 2024-04-12. Review status: criteria provided, single submitter. Criteria: Invitae Variant Classification Sherloc (09022015). Collection method: clinical testing. Allele origin: germline.
Comment: This sequence change replaces alanine, which is neutral and non-polar, with serine, which is neutral and polar, at codon 3665 of the PLEC protein (p.Ala3665Ser). This variant is present in population databases (no rsID available, gnomAD 0.007%). This variant has not been reported in the literature in individuals affected with PLEC-related conditions. Algorithms developed to predict the effect of missense changes on protein structure and function output the following: SIFT: "Not Available"; PolyPhen-2: "Benign"; Align-GVGD: "Not Available". The serine amino acid residue is found in multiple mammalian species, which suggests that this missense change does not adversely affect protein function. In summary, the available evidence is currently insufficient to determine the role of this variant in disease. Therefore, it has been classified as a Variant of Uncertain Significance.

NM_201384.3(PLEC):c.10912G>T (p.Ala3638Ser)

Gene: PLEC (plectin; minus strand). Cytogenetic location: 8q24.3.
Variant type: single nucleotide variant.
Coding change: c.10912G>T on transcript NM_201384.3 (MANE Select); coding-DNA position 10912, G replaced by T.
Protein change: p.Ala3638Ser; replaces alanine 3638 with serine.
Molecular consequence: missense variant.
Genome position (GRCh38, 1-based): chr8:143,918,909, C>A on the plus strand (G>T on the coding strand, the complement: PLEC is on the minus strand). VCF-style: chr8-143918909-C-A. GRCh37 (hg19) VCF-style: chr8-144993077-C-A.
Other names: c.10912G>T, p.Ala3638Ser (NM_201382.4); c.10924G>T, p.Ala3642Ser (NM_201383.3); c.10993G>T, p.Ala3665Ser (NM_000445.5); c.7612G>T, p.Ala2538Ser (NM_001410941.1); c.10870G>T, p.Ala3624Ser (NM_201378.4); c.10846G>T, p.Ala3616Ser (NM_201379.3); c.11323G>T, p.Ala3775Ser (NM_201380.4); c.10816G>T, p.Ala3606Ser (NM_201381.3); short protein forms A2538S, A3606S, A3616S, A3624S, A3638S, A3642S, A3665S, A3775S.
Identifiers: ClinVar variation 3750321 (VCV003750321.2).